The following is an entry in ClinVar:

ClinVar aggregate classification (germline): Uncertain significance. Review status: criteria provided, multiple submitters, no conflicts (2 of 4 stars). 2 submissions from 2 submitters: Uncertain significance (2). Last evaluated 2022-12-02.

Allele frequency attached by ClinVar (database versions not stated): ExAC 0.00002; gnomAD 0.00005; ESP Exome Variant Server 0.00008.
gnomAD v4.1: 67 of 1,613,376 alleles (0.0042%); highest among the groups gnomAD compares: Non-Finnish European, 0.0051%; no homozygotes.

Submissions (2):

Labcorp Genetics (formerly Invitae), Labcorp
Classification: Uncertain significance. Last evaluated: 2022-12-02. Review status: criteria provided, single submitter. Criteria: Invitae Variant Classification Sherloc (09022015). Collection method: clinical testing. Allele origin: germline.
Comment: This sequence change replaces alanine, which is neutral and non-polar, with valine, which is neutral and non-polar, at codon 178 of the CASZ1 protein (p.Ala178Val). In summary, the available evidence is currently insufficient to determine the role of this variant in disease. Therefore, it has been classified as a Variant of Uncertain Significance. Algorithms developed to predict the effect of missense changes on protein structure and function are either unavailable or do not agree on the potential impact of this missense change (SIFT: "Deleterious"; PolyPhen-2: "Probably Damaging"; Align-GVGD: "Class C0"). This variant has not been reported in the literature in individuals affected with CASZ1-related conditions. This variant is present in population databases (rs371445629, gnomAD 0.006%).

Ambry Genetics
Classification: Uncertain significance. Last evaluated: 2021-09-01. Review status: criteria provided, single submitter. Criteria: Ambry Variant Classification Scheme 2023. Collection method: clinical testing. Allele origin: germline.

NM_001079843.3(CASZ1):c.533C>T (p.Ala178Val)

Gene: CASZ1 (castor zinc finger 1; minus strand). Cytogenetic location: 1p36.22.
Variant type: single nucleotide variant.
Coding change: c.533C>T on transcript NM_001079843.3 (MANE Select); coding-DNA position 533, C replaced by T.
Protein change: p.Ala178Val; replaces alanine 178 with valine.
Molecular consequence: missense variant.
Genome position (GRCh38, 1-based): chr1:10,660,509, G>A on the plus strand (C>T on the coding strand, the complement: CASZ1 is on the minus strand). VCF-style: chr1-10660509-G-A. GRCh37 (hg19) VCF-style: chr1-10720566-G-A.
Other names: c.533C>T, p.Ala178Val (NM_017766.5); short protein forms A178V.
Identifiers: ClinVar variation 2248228 (VCV002248228.5), dbSNP rs371445629, ClinGen allele CA585387.